The following is an entry in ClinVar:

NM_015450.3(POT1):c.836C>T (p.Pro279Leu)

Gene: POT1 (protection of telomeres 1; minus strand). Cytogenetic location: 7q31.33.
Variant type: single nucleotide variant.
Coding change: c.836C>T on transcript NM_015450.3 (MANE Select); coding-DNA position 836, C replaced by T.
Protein change: p.Pro279Leu; replaces proline 279 with leucine.
Molecular consequence: missense variant. On other transcripts: non-coding transcript variant (3).
Genome position (GRCh38, 1-based): chr7:124,853,005, G>A on the plus strand (C>T on the coding strand, the complement: POT1 is on the minus strand). VCF-style: chr7-124853005-G-A. GRCh37 (hg19) VCF-style: chr7-124493059-G-A.
Other names: c.836C>T (NM_015450.2); c.443C>T, p.Pro148Leu (NM_001042594.2); short protein forms P148L, P279L.
Identifiers: ClinVar variation 1425980 (VCV001425980.10), dbSNP rs2116504451, ClinGen allele CA369055281.

ClinVar aggregate classification (germline): Uncertain significance. Review status: criteria provided, multiple submitters, no conflicts (2 of 4 stars). 3 submissions from 3 submitters: Uncertain significance (3). Last evaluated 2025-04-03.

Conditions:
Tumor predisposition syndrome 3 (TPDS3). Also called: LONG TELOMERE SYNDROME, POT1-RELATED; POT1 Tumor Predisposition; Glioma susceptibility 9; Melanoma, cutaneous malignant, susceptibility to, 10. Identifiers: Orphanet 618, MedGen C4014476, MONDO:0014368, OMIM 615848.
Hereditary cancer-predisposing syndrome. Also called: Hereditary Cancer Syndrome; Neoplastic Syndromes, Hereditary; Hereditary neoplastic syndrome; Tumor predisposition. Identifiers: Orphanet 140162, MedGen C0027672, MeSH D009386, MONDO:0015356.

Allele frequency attached by ClinVar (database versions not stated): gnomAD exomes below 0.00001.
gnomAD v4.1: 1 of 1,613,248 alleles (0.000062%); highest among the groups gnomAD compares: Non-Finnish European, 0.000085%; no homozygotes.

Submissions (3):

Ambry Genetics
Classification: Uncertain significance for Hereditary cancer-predisposing syndrome. Last evaluated: 2025-04-03. Review status: criteria provided, single submitter. Criteria: Ambry Variant Classification Scheme 2023. Collection method: clinical testing. Allele origin: germline.
Comment: The p.P279L variant (also known as c.836C>T), located in coding exon 6 of the POT1 gene, results from a C to T substitution at nucleotide position 836. The proline at codon 279 is replaced by leucine, an amino acid with similar properties. This amino acid position is conserved. In addition, this alteration is predicted to be tolerated by in silico analysis. Based on the available evidence, the clinical significance of this variant remains unclear.

Center for Genomic Medicine, Rigshospitalet, Copenhagen University Hospital
Classification: Uncertain significance. Last evaluated: 2025-03-04. Review status: criteria provided, single submitter. Criteria: ACMG Guidelines, 2015. Collection method: clinical testing. Allele origin: germline.

Labcorp Genetics (formerly Invitae), Labcorp
Classification: Uncertain significance for Tumor predisposition syndrome 3. Last evaluated: 2021-07-12. Review status: criteria provided, single submitter. Criteria: Invitae Variant Classification Sherloc (09022015). Collection method: clinical testing. Allele origin: germline.
Comment: In summary, the available evidence is currently insufficient to determine the role of this variant in disease. Therefore, it has been classified as a Variant of Uncertain Significance. Algorithms developed to predict the effect of missense changes on protein structure and function are either unavailable or do not agree on the potential impact of this missense change (SIFT: "Deleterious"; PolyPhen-2: "Benign"; Align-GVGD: "Class C65"). This variant has not been reported in the literature in individuals affected with POT1-related conditions. This variant is not present in population databases (ExAC no frequency). This sequence change replaces proline with leucine at codon 279 of the POT1 protein (p.Pro279Leu). The proline residue is highly conserved and there is a moderate physicochemical difference between proline and leucine.